The following is an entry in ClinVar:

NC_012920.1(MT-CO3):m.9495T>C

Gene: MT-CO3 (mitochondrially encoded cytochrome c oxidase III; plus strand).
Variant type: single nucleotide variant.
Genome position: chrM-9495-T-C.
Identifiers: ClinVar variation 693177 (VCV000693177.1), dbSNP rs1556423681, ClinGen allele CA414803069.
Genomic context (GRCh38, chrMT:9,495, plus strand): 5'-AAAGGCCTTCGATACGGGATAATCCTATTTATTACCTCAGAAGTTTTTTTCTTCGCAGGA[T>C]TTTTCTGAGCCTTTTACCACTCCAGCCTAGCCCCTACCCCCCAATTAGGAGGGCACTGGC-3'

ClinVar aggregate classification (germline): Benign (1 of 4 stars; one submission).

Conditions:
Leigh syndrome (NULS). Also called: Leigh's necrotizing encephalopathy; Leigh's disease; Leigh Syndrome (mtDNA deletion); Leigh Disease; Subacute necrotizing encephalopathy; Necrotizing encephalopathy infantile subacute of Leigh. Identifiers: Orphanet 506, MedGen C2931891, MONDO:0009723, OMIM 256000.

Submission:

Wong Mito Lab, Molecular and Human Genetics, Baylor College of Medicine
Classification: Benign for Leigh syndrome. Last evaluated: 2019-10-17. Review status: criteria provided, single submitter. Criteria: Modified ACMG Guidelines (Unpublished). Collection method: clinical testing. Allele origin: germline.
Comment: The NC_012920.1:m.9495T>C (YP_003024032.1:p.Phe97Leu) variant in MTCO3 gene is interpretated to be a Benign variant based on the modified ACMG guidelines (unpublished). This variant meets the following evidence codes: BS1, BS4